The following is an entry in ClinVar:

ClinVar aggregate classification (germline): Pathogenic (1 of 4 stars; one submission).

Submission:

Labcorp Genetics (formerly Invitae), Labcorp
Classification: Pathogenic. Last evaluated: 2021-03-25. Review status: criteria provided, single submitter. Criteria: Invitae Variant Classification Sherloc (09022015). Collection method: clinical testing. Allele origin: germline.
Comment: For these reasons, this variant has been classified as Pathogenic. This variant disrupts the C-terminus of the PHEX protein. Other variant(s) that disrupt this region (p.Arg702*) have been determined to be pathogenic (PMID: 9097956, 23079138, 21902834, 9768674, 29505567). This suggests that variants that disrupt this region of the protein are likely to be causative of disease. This variant has been observed in individual(s) with hypophosphatemic rickets (PMID: 9768674). This variant is not present in population databases (ExAC no frequency). This sequence change creates a premature translational stop signal (p.Ala700Valfs*40) in the PHEX gene. While this is not anticipated to result in nonsense mediated decay, it is expected to disrupt the last 50 amino acid(s) of the PHEX protein.

Literature cited by the submitters: PubMed 9097956; PubMed 23079138; PubMed 21902834; PubMed 9768674; PubMed 29505567.

NM_000444.6(PHEX):c.2099del (p.Ala700fs)

Genes: PHEX (phosphate regulating endopeptidase X-linked; plus strand), PTCHD1-AS (PTCHD1 and PHEX antisense RNA; minus strand). Cytogenetic location: Xp22.11.
Variant type: Deletion.
Coding change: c.2099del on transcript NM_000444.6 (MANE Select); coding-DNA position 2099, one base deleted (C; older notation c.2099delC).
Protein change: p.Ala700fs; shifts the reading frame from alanine 700.
Molecular consequence: frameshift variant. On other transcripts: intron variant (1).
Genome position (GRCh38, 1-based): chrX:22,245,361, C deleted. VCF-style (leftmost placement, unchanged base first): chrX-22245360-GC-G. GRCh37 (hg19) VCF-style: chrX-22263477-GC-G.
Other names: c.2071-2490del (NM_001282754.2); short protein forms A700fs.
Identifiers: ClinVar variation 1356697 (VCV001356697.8), dbSNP rs2147214022, ClinGen allele CA2573158547.